The following is an entry in ClinVar:

NM_022051.3(EGLN1):c.1010dup (p.Val338fs)

Gene: EGLN1 (egl-9 family hypoxia inducible factor 1; minus strand). Cytogenetic location: 1q42.2.
Variant type: Duplication.
Coding change: c.1010dup on transcript NM_022051.3 (MANE Select); coding-DNA position 1010, one base duplicated (A; older notation c.1010dupA).
Protein change: p.Val338fs; shifts the reading frame from valine 338.
Molecular consequence: frameshift variant.
Genome position (GRCh38, 1-based): chr1:231,373,981, T duplicated on the plus strand (A on the coding strand, the reverse complement: EGLN1 is on the minus strand); the first of 2 consecutive T bases (chr1:231,373,981-231,373,982); duplicating either gives the same sequence. VCF-style (leftmost placement, unchanged base first): chr1-231373980-C-CT. GRCh37 (hg19) VCF-style: chr1-231509726-C-CT.
Other names: c.1010dup, p.Val338fs (NM_001377260.1, NM_001377261.1); short protein forms V338fs.
Identifiers: ClinVar variation 1048777 (VCV001048777.1), dbSNP rs2102898170, ClinGen allele CA2499214557.
Genomic context (GRCh38, chr1:231,373,980, plus strand): 5'-AATGCTTTTGAGAAAAAGACACCTGTAAGAAAAAAATAAATGCTCAATTAAGTTGCATAC[C>CT]TTGGCATCCCAGTCTTTATTAAGATAATATATACATGTCACACATCTTCCATCTCCATTT-3'

ClinVar aggregate classification (germline): Pathogenic (1 of 4 stars; one submission).

Conditions:
Erythrocytosis, familial, 3 (ECYT3). Identifiers: Orphanet 247511, MedGen C1853286, MONDO:0012353, OMIM 609820.

Submission:

Johns Hopkins Genomics, Johns Hopkins University
Classification: Pathogenic for Erythrocytosis, familial, 3. Last evaluated: 2021-02-23. Review status: criteria provided, single submitter. Criteria: ACMG Guidelines, 2015. Collection method: clinical testing. Allele origin: germline.
Comment: This EGLN1 variant is absent from a large population dataset and has not been reported in ClinVar nor the literature, to our knowledge. This frameshift variant in exon 2 results in a premature termination codon (PTC), likely leading to nonsense-mediated decay and lack of protein production. We consider c.1010dupA to be pathogenic.

Literature cited by the submitters: PubMed 16407130; PubMed 24115288; PubMed 29741264.